The following is an entry in ClinVar:

NM_002458.3(MUC5B):c.9140C>A (p.Thr3047Asn)

Genes: MUC5B (mucin 5B, oligomeric mucus/gel-forming; plus strand), MUC5B-AS1 (MUC5B antisense RNA 1; minus strand). Cytogenetic location: 11p15.5.
Variant type: single nucleotide variant.
Coding change: c.9140C>A on transcript NM_002458.3 (MANE Select); coding-DNA position 9140, C replaced by A.
Protein change: p.Thr3047Asn; replaces threonine 3047 with asparagine.
Molecular consequence: missense variant.
Genome position (GRCh38, 1-based): chr11:1,246,020, C>A. VCF-style: chr11-1246020-C-A. GRCh37 (hg19) VCF-style: chr11-1267250-C-A.
Other names: short protein forms T3047N.
Identifiers: ClinVar variation 403186 (VCV000403186.5), dbSNP rs201236828, ClinGen allele CA5806868.
Genomic context (GRCh38, chr11:1,246,020, plus strand): 5'-GCACGGCCACCACACCCACAGCCACCAGTTCCAAAGCCACTTCCTCCTCCAGTCCAAGGA[C>A]TGCAACCACCCTTCCAGTGCTGACAAGCACAGCCACCAAATCCACAGCTACCAGCTTTAC-3'
Protein context (NP_002449.2, residues 3037-3057): SKATSSSSPR[Thr3047Asn]ATTLPVLTST

ClinVar aggregate classification (germline): Likely benign. Review status: criteria provided, multiple submitters, no conflicts (2 of 4 stars). 2 submissions from 2 submitters: Likely benign (2). Last evaluated 2016-03-28.

Allele frequency attached by ClinVar (database versions not stated): 1000 Genomes Project 30x 0.01187; 1000 Genomes Project 0.01238; ESP Exome Variant Server 0.01468; gnomAD 0.02641; ExAC 0.02684.
gnomAD v4.1: 34,922 of 1,590,254 alleles (2.2%); highest among the groups gnomAD compares: Non-Finnish European, 2.4%; no homozygotes.

Submissions (2):

Laboratory for Molecular Medicine, Mass General Brigham Personalized Medicine
Classification: Likely benign. Last evaluated: 2016-03-28. Review status: criteria provided, single submitter. Criteria: LMM Criteria. Collection method: clinical testing. Allele origin: germline.
Comment: Variant identified in a genome or exome case(s) and assessed due to predicted null impact of the variant or pathogenic assertions in the literature or databases. Disclaimer: This variant has not undergone full assessment. The following are preliminary notes: Frequency

Breakthrough Genomics
Classification: Likely benign. Review status: criteria provided, single submitter. Criteria: ACMG Guidelines, 2015. Collection method: not provided. Allele origin: germline. Inheritance: Autosomal dominant inheritance. Affected: yes.